The following is an entry in ClinVar:

ClinVar aggregate classification (germline): Uncertain significance. Review status: criteria provided, multiple submitters, no conflicts (2 of 4 stars). 2 submissions from 2 submitters: Uncertain significance (2). Last evaluated 2024-04-25.

Conditions:
Ehlers-Danlos syndrome, type 4 (EDSVASC). Also called: Ehlers-Danlos syndrome vascular type; Ehlers Danlos syndrome, ecchymotic type; Ehlers Danlos syndrome, arterial type; Ehlers Danlos syndrome, Sack-Barabas type; Ehlers-Danlos Syndrome Type IV. Identifiers: Orphanet 286, MedGen C0268338, MONDO:0017314, OMIM 130050.
Familial thoracic aortic aneurysm and aortic dissection (TAAD). Also called: Thoracic aortic aneurysms and dissections. Identifiers: Orphanet 91387, MedGen C4707243, MONDO:0019625.

Submissions (2):

All of Us Research Program, National Institutes of Health
Classification: Uncertain significance for Ehlers-Danlos syndrome, type 4. Last evaluated: 2024-04-25. Review status: criteria provided, single submitter. Criteria: ACMG Guidelines, 2015. Collection method: clinical testing. Allele origin: germline. Inheritance: Autosomal dominant inheritance. Observed: 1 variant allele, 1 heterozygote.
Comment: This missense variant replaces leucine with proline at codon 409 of the COL3A1 protein. Computational prediction is inconclusive regarding the impact of this variant on protein structure and function (internally defined REVEL score threshold 0.5 < inconclusive < 0.7, PMID: 27666373). To our knowledge, functional studies have not been reported for this variant. This variant has not been reported in individuals affected with COL3A1-related disorders in the literature. This variant has not been identified in the general population by the Genome Aggregation Database (gnomAD). The available evidence is insufficient to determine the role of this variant in disease conclusively. Therefore, this variant is classified as a Variant of Uncertain Significance.

This study involves interpretation of variants in research participants for the purpose of population health screening. Participant phenotype was not available at the time of variant classification. Additional details can be found in publication PMID: 35346344, PMCID: PMC8962531

Color Diagnostics, LLC DBA Color Health
Classification: Uncertain significance for Familial thoracic aortic aneurysm and aortic dissection. Last evaluated: 2024-04-10. Review status: criteria provided, single submitter. Criteria: ACMG Guidelines, 2015. Collection method: clinical testing. Allele origin: germline.
Comment: This missense variant replaces leucine with proline at codon 409 of the COL3A1 protein. Computational prediction is inconclusive regarding the impact of this variant on protein structure and function. To our knowledge, functional studies have not been reported for this variant. This variant has not been reported in individuals affected with COL3A1-related disorders in the literature. This variant has not been identified in the general population by the Genome Aggregation Database (gnomAD). The available evidence is insufficient to determine the role of this variant in disease conclusively. Therefore, this variant is classified as a Variant of Uncertain Significance.

NM_000090.4(COL3A1):c.1226T>C (p.Leu409Pro)

Gene: COL3A1 (collagen type III alpha 1 chain; plus strand). Cytogenetic location: 2q32.2.
Variant type: single nucleotide variant.
Coding change: c.1226T>C on transcript NM_000090.4 (MANE Select); coding-DNA position 1226, T replaced by C.
Protein change: p.Leu409Pro; replaces leucine 409 with proline.
Molecular consequence: missense variant.
Genome position (GRCh38, 1-based): chr2:188,994,265, T>C. VCF-style: chr2-188994265-T-C. GRCh37 (hg19) VCF-style: chr2-189858991-T-C.
Other names: short protein forms L409P.
Identifiers: ClinVar variation 3386445 (VCV003386445.2).
Genomic context (GRCh38, chr2:188,994,265, plus strand): 5'-CTAATATAGTGTCTTTGGTTTGTTCTTAGGGTCCCGCTGGCATTCCTGGAGCTCCTGGAC[T>C]GATGGGAGCCCGGGGTCCTCCAGGACCAGCCGGTGCTAATGGTGCTCCTGGACTGCGAGG-3'
Protein context (NP_000081.2, residues 399-419): GPAGIPGAPG[Leu409Pro]MGARGPPGPA